The following is an entry in ClinVar:

NM_007294.4(BRCA1):c.300G>T (p.Glu100Asp)

Gene: BRCA1 (BRCA1 DNA repair associated; minus strand). Cytogenetic location: 17q21.31.
Variant type: single nucleotide variant.
Coding change: c.300G>T on transcript NM_007294.4 (MANE Select); coding-DNA position 300, G replaced by T.
Protein change: p.Glu100Asp; replaces glutamic acid 100 with aspartic acid.
Molecular consequence: missense variant. On other transcripts: non-coding transcript variant (1).
Genome position (GRCh38, 1-based): chr17:43,104,869, C>A on the plus strand (G>T on the coding strand, the complement: BRCA1 is on the minus strand). VCF-style: chr17-43104869-C-A. GRCh37 (hg19) VCF-style: chr17-41256886-C-A.
Other names: c.90G>T, p.Glu30Asp (NM_001407571.1, NM_001407853.1, NM_001407879.1 and 58 more transcripts); c.300G>T, p.Glu100Asp (NM_001407581.1, NM_001407582.1, NM_001407583.1 and 165 more transcripts); c.222G>T, p.Glu74Asp (NM_001407653.1, NM_001407654.1, NM_001407655.1 and 21 more transcripts); c.159G>T, p.Glu53Asp (NM_001407692.1, NM_001407694.1, NM_001407695.1 and 99 more transcripts); c.-82G>T (NM_001407959.1, NM_001407960.1, NM_001407962.1 and 4 more transcripts); c.168G>T, p.Glu56Asp (NM_001408451.1); short protein forms E100D, E53D, E30D, E56D, E74D.
Identifiers: ClinVar variation 868830 (VCV000868830.3), dbSNP rs1555596638, ClinGen allele CA10601553.
Genomic context (GRCh38, chr17:43,104,869, plus strand): 5'-ACTTCCTGAGTTTTCATGGACAGCACTTGAGTGTCATTCTTGGGATATTCAACACTTACA[C>A]TCCAAACCTGTGTCAAGCTGAAAAGCACAAATGATTTTCAATAGCTCTTCAACAAGTTGA-3'
Protein context (NP_009225.1, residues 90-110): ICAFQLDTGL[Glu100Asp]YANSYNFAKK

Conditions:
Breast-ovarian cancer, familial, susceptibility to, 1 (BROVCA1). Also called: BRCA1 Hereditary Breast and Ovarian Cancer; OVARIAN CANCER, SUSCEPTIBILITY TO. Identifiers: Orphanet 145, MedGen C2676676, MONDO:0011450, OMIM 604370. Disease mechanism: loss of function.

Submission:

Brotman Baty Institute, University of Washington
No classification provided (evidence only). Condition: Breast-ovarian cancer, familial 1. Review status: no classification provided. Collection method: in vitro. Allele origin: not applicable. Functional consequence: functionally_normal.
ClinVar note: "not provided" was previously submitted as the classification for the variant. However, the classification appeared to be based only on an observation of functional data so it was converted to no classification on 2025-07-30.